The following is an entry in ClinVar:

NM_203446.3(SYNJ1):c.3575G>T (p.Ser1192Ile)

Gene: SYNJ1 (synaptojanin 1; minus strand). Cytogenetic location: 21q22.11.
Variant type: single nucleotide variant.
Coding change: c.3575G>T on transcript NM_203446.3 (MANE Select); coding-DNA position 3575, G replaced by T.
Protein change: p.Ser1192Ile; replaces serine 1192 with isoleucine.
Molecular consequence: missense variant.
Genome position (GRCh38, 1-based): chr21:32,641,909, C>A on the plus strand (G>T on the coding strand, the complement: SYNJ1 is on the minus strand). VCF-style: chr21-32641909-C-A. GRCh37 (hg19) VCF-style: chr21-34014219-C-A.
Other names: c.3527G>T, p.Ser1176Ile (NM_001160302.2); c.3434G>T, p.Ser1145Ile (NM_001160306.2); c.3692G>T, p.Ser1231Ile (NM_003895.4); short protein forms S1192I, S1176I, S1145I, S1231I.
Identifiers: ClinVar variation 1475337 (VCV001475337.8), dbSNP rs780730508, ClinGen allele CA10003342.

ClinVar aggregate classification (germline): Uncertain significance (1 of 4 stars; one submission).

Conditions:
Developmental and epileptic encephalopathy, 53. Also called: Epileptic encephalopathy, early infantile, 53. Identifiers: MedGen C4479313, MONDO:0033362, OMIM 617389.
Early-onset Parkinson disease 20. Also called: PARKINSON DISEASE 20, AUTOSOMAL RECESSIVE EARLY-ONSET. Identifiers: Orphanet 391411, MedGen C3809824, MONDO:0014233, OMIM 615530.

Submission:

Labcorp Genetics (formerly Invitae), Labcorp
Classification: Uncertain significance for Developmental and epileptic encephalopathy, 53; Early-onset Parkinson disease 20. Last evaluated: 2021-05-12. Review status: criteria provided, single submitter. Criteria: Invitae Variant Classification Sherloc (09022015). Collection method: clinical testing. Allele origin: germline.
Comment: In summary, the available evidence is currently insufficient to determine the role of this variant in disease. Therefore, it has been classified as a Variant of Uncertain Significance. Algorithms developed to predict the effect of missense changes on protein structure and function are either unavailable or do not agree on the potential impact of this missense change (SIFT: "Deleterious"; PolyPhen-2: "Benign"; Align-GVGD: "Class C0"). This variant has not been reported in the literature in individuals with SYNJ1-related conditions. The frequency data for this variant in the population databases is considered unreliable, as metrics indicate poor data quality at this position in the ExAC database. This sequence change replaces serine with isoleucine at codon 1231 of the SYNJ1 protein (p.Ser1231Ile). The serine residue is weakly conserved and there is a large physicochemical difference between serine and isoleucine.